The following is an entry in ClinVar:

ClinVar aggregate classification (germline): Benign/Likely benign. Review status: criteria provided, multiple submitters, no conflicts (2 of 4 stars). 6 submissions from 6 submitters: Benign (1); Likely benign (3). 2 of the submissions do not count toward it. Last evaluated 2026-02-01.

Conditions:
Immunodeficiency 35 (IMD35). Also called: HIES WITH ATYPICAL MYCOBACTERIOSIS, AUTOSOMAL RECESSIVE; HYPER-IgE SYNDROME WITH ATYPICAL MYCOBACTERIOSIS, AUTOSOMAL RECESSIVE; TYK2 DEFICIENCY; Susceptibility to infection due to TYK2 deficiency. Identifiers: Orphanet 331226, MedGen C1969086, MONDO:0012682, OMIM 611521.

Allele frequency attached by ClinVar (database versions not stated): ESP Exome Variant Server 0.00038; 1000 Genomes Project 30x 0.00062; TOPMed 0.00064; gnomAD 0.00069 and 0.00081; 1000 Genomes Project 0.00080; gnomAD exomes 0.00097 and 0.00130; ExAC 0.00119.

Submissions (6):

Labcorp Genetics (formerly Invitae), Labcorp
Classification: Benign for Immunodeficiency 35. Last evaluated: 2026-02-01. Review status: criteria provided, single submitter. Criteria: Invitae Variant Classification Sherloc (09022015). Collection method: clinical testing. Allele origin: germline.

Blueprint Genetics
Classification: Likely benign. Last evaluated: 2024-11-25. Review status: criteria provided, single submitter. Criteria: ACMG Guidelines, 2015. Collection method: clinical testing. Allele origin: germline.

GeneDx
Classification: Likely benign. Last evaluated: 2020-12-09. Review status: criteria provided, single submitter. Criteria: GeneDx Variant Classification Process June 2021. Collection method: clinical testing. Allele origin: germline. Affected: yes.
Comment: This variant is associated with the following publications: (PMID: 28182501, 22675565, 23471820, 32297440, 28694182, 32707200)

Illumina Laboratory Services, Illumina
Classification: Likely benign for Immunodeficiency 35. Last evaluated: 2018-01-12. Review status: criteria provided, single submitter. Criteria: ICSL Variant Classification Criteria 13 December 2019. Collection method: clinical testing. Allele origin: germline.
Comment: This variant was observed in the ICSL laboratory as part of a predisposition screen in an ostensibly healthy population. It had not been previously curated by ICSL or reported in the Human Gene Mutation Database (HGMD: prior to June 1st, 2018), and was therefore a candidate for classification through an automated scoring system. Utilizing variant allele frequency, disease prevalence and penetrance estimates, and inheritance mode, an automated score was calculated to assess if this variant is too frequent to cause the disease. Based on the score and internal cut-off values, a variant classified as likely benign is not then subjected to further curation. The score for this variant resulted in a classification of likely benign for this disease.

Clinical Genetics DNA and cytogenetics Diagnostics Lab, Erasmus MC, Erasmus Medical Center
Classification: Likely benign. Review status: no assertion criteria provided. Collection method: clinical testing. Allele origin: germline. Affected: yes. Study: VKGL Data-share Consensus. Not counted in ClinVar's aggregate classification.

Genome Diagnostics Laboratory, University Medical Center Utrecht
Classification: Likely benign. Review status: no assertion criteria provided. Collection method: clinical testing. Allele origin: germline. Affected: yes. Study: VKGL Data-share Consensus. Not counted in ClinVar's aggregate classification.

NM_003331.5(TYK2):c.44T>C (p.Val15Ala)

Gene: TYK2 (tyrosine kinase 2; minus strand). Cytogenetic location: 19p13.2.
Variant type: single nucleotide variant.
Coding change: c.44T>C on transcript NM_003331.5 (MANE Select); coding-DNA position 44, T replaced by C.
Protein change: p.Val15Ala; replaces valine 15 with alanine.
Molecular consequence: missense variant.
Genome position (GRCh38, 1-based): chr19:10,378,363, A>G on the plus strand (T>C on the coding strand, the complement: TYK2 is on the minus strand). VCF-style: chr19-10378363-A-G. GRCh37 (hg19) VCF-style: chr19-10489039-A-G.
Other names: c.44T>C (LRG_121t1); short protein forms V15A.
Identifiers: ClinVar variation 327962 (VCV000327962.19), dbSNP rs144960992, ClinGen allele CA9193896.